The following is an entry in ClinVar:

ClinVar aggregate classification (germline): Uncertain significance (1 of 4 stars; one submission).

Submission:

Ambry Genetics
Classification: Uncertain significance. Last evaluated: 2025-08-30. Review status: criteria provided, single submitter. Criteria: Ambry Variant Classification Scheme 2023. Collection method: clinical testing. Allele origin: germline.
Comment: The p.E1327D variant (also known as c.3981G>T), located in coding exon 14 of the CDK12 gene, results from a G to T substitution at nucleotide position 3981. The glutamic acid at codon 1327 is replaced by aspartic acid, an amino acid with highly similar properties. This amino acid position is conserved. In addition, this alteration is predicted to be tolerated by in silico analysis. Based on the available evidence, the clinical significance of this variant remains unclear.

NM_016507.4(CDK12):c.3981G>T (p.Glu1327Asp)

Gene: CDK12 (cyclin dependent kinase 12; plus strand). Cytogenetic location: 17q12.
Variant type: single nucleotide variant.
Coding change: c.3981G>T on transcript NM_016507.4 (MANE Select); coding-DNA position 3981, G replaced by T.
Protein change: p.Glu1327Asp; replaces glutamic acid 1327 with aspartic acid.
Molecular consequence: missense variant.
Genome position (GRCh38, 1-based): chr17:39,530,824, G>T. VCF-style: chr17-39530824-G-T. GRCh37 (hg19) VCF-style: chr17-37687077-G-T.
Other names: c.3954G>T, p.Glu1318Asp (NM_015083.4); short protein forms E1318D, E1327D.
Identifiers: ClinVar variation 4224424 (VCV004224424.1).